The following is an entry in ClinVar:

NM_007363.5(NONO):c.538A>G (p.Ile180Val)

Gene: NONO (non-POU domain containing octamer binding; plus strand). Cytogenetic location: Xq13.1.
Variant type: single nucleotide variant.
Coding change: c.538A>G on transcript NM_007363.5 (MANE Select); coding-DNA position 538, A replaced by G.
Protein change: p.Ile180Val; replaces isoleucine 180 with valine.
Molecular consequence: missense variant.
Genome position (GRCh38, 1-based): chrX:71,294,416, A>G. VCF-style: chrX-71294416-A-G. GRCh37 (hg19) VCF-style: chrX-70514266-A-G.
Other names: c.538A>G, p.Ile180Val (NM_001145408.2, NM_001145409.2); c.271A>G, p.Ile91Val (NM_001145410.2); short protein forms I91V, I180V.
Identifiers: ClinVar variation 2738451 (VCV002738451.3), dbSNP rs2519889753, ClinGen allele CA413541840.

ClinVar aggregate classification (germline): Uncertain significance (1 of 4 stars; one submission).

Submission:

Labcorp Genetics (formerly Invitae), Labcorp
Classification: Uncertain significance. Last evaluated: 2023-07-08. Review status: criteria provided, single submitter. Criteria: Invitae Variant Classification Sherloc (09022015). Collection method: clinical testing. Allele origin: germline.
Comment: In summary, the available evidence is currently insufficient to determine the role of this variant in disease. Therefore, it has been classified as a Variant of Uncertain Significance. Advanced modeling of protein sequence and biophysical properties (such as structural, functional, and spatial information, amino acid conservation, physicochemical variation, residue mobility, and thermodynamic stability) performed at Invitae indicates that this missense variant is not expected to disrupt NONO protein function. This variant has not been reported in the literature in individuals affected with NONO-related conditions. This variant is not present in population databases (gnomAD no frequency). This sequence change replaces isoleucine, which is neutral and non-polar, with valine, which is neutral and non-polar, at codon 180 of the NONO protein (p.Ile180Val).